The following is an entry in ClinVar:

ClinVar aggregate classification (germline): Likely pathogenic (1 of 4 stars; one submission).

Submission:

Labcorp Genetics (formerly Invitae), Labcorp
Classification: Likely pathogenic. Last evaluated: 2024-10-09. Review status: criteria provided, single submitter. Criteria: Invitae Variant Classification Sherloc (09022015). Collection method: clinical testing. Allele origin: germline.
Comment: This sequence change replaces tyrosine, which is neutral and polar, with cysteine, which is neutral and slightly polar, at codon 703 of the CYFIP2 protein (p.Tyr703Cys). This variant is not present in population databases (gnomAD no frequency). This missense change has been observed in individual(s) with clinical features of developmental and epileptic encephalopathy (internal data). In at least one individual the variant was observed to be de novo. Experimental studies and prediction algorithms are not available or were not evaluated, and the functional significance of this variant is currently unknown. In summary, the currently available evidence indicates that the variant is pathogenic, but additional data are needed to prove that conclusively. Therefore, this variant has been classified as Likely Pathogenic.

NM_001037333.3(CYFIP2):c.2108A>G (p.Tyr703Cys)

Gene: CYFIP2 (cytoplasmic FMR1 interacting protein 2; plus strand). Cytogenetic location: 5q33.3.
Variant type: single nucleotide variant.
Coding change: c.2108A>G on transcript NM_001037333.3 (MANE Select); coding-DNA position 2108, A replaced by G.
Protein change: p.Tyr703Cys; replaces tyrosine 703 with cysteine.
Molecular consequence: missense variant.
Genome position (GRCh38, 1-based): chr5:157,328,001, A>G. VCF-style: chr5-157328001-A-G. GRCh37 (hg19) VCF-style: chr5-156755009-A-G.
Other names: c.2030A>G, p.Tyr677Cys (NM_001291721.2); c.2183A>G, p.Tyr728Cys (NM_001291722.2); c.2108A>G, p.Tyr703Cys (NM_014376.4); short protein forms Y728C, Y677C, Y703C.
Identifiers: ClinVar variation 2759831 (VCV002759831.3), dbSNP rs2532430236, ClinGen allele CA361970725.